The following is an entry in ClinVar:

ClinVar aggregate classification (germline): Pathogenic (1 of 4 stars; one submission).

Submission:

Labcorp Genetics (formerly Invitae), Labcorp
Classification: Pathogenic. Last evaluated: 2023-06-05. Review status: criteria provided, single submitter. Criteria: Invitae Variant Classification Sherloc (09022015). Collection method: clinical testing. Allele origin: germline.
Comment: This sequence change creates a premature translational stop signal (p.Cys252*) in the WISP3 gene. While this is not anticipated to result in nonsense mediated decay, it is expected to disrupt the last 103 amino acid(s) of the WISP3 protein. This variant is not present in population databases (gnomAD no frequency). This premature translational stop signal has been observed in individual(s) with progressive pseudorheumatoid dysplasia (PMID: 25794430, 29246200). In at least one individual the data is consistent with being in trans (on the opposite chromosome) from a pathogenic variant. It has also been observed to segregate with disease in related individuals. For these reasons, this variant has been classified as Pathogenic.

Literature cited by the submitters: PubMed 25794430; PubMed 29246200.

NM_198239.2(CCN6):c.756C>A (p.Cys252Ter)

Gene: CCN6 (cellular communication network factor 6; plus strand). Cytogenetic location: 6q21.
Variant type: single nucleotide variant.
Coding change: c.756C>A on transcript NM_198239.2 (MANE Select); coding-DNA position 756, C replaced by A.
Protein change: p.Cys252Ter; replaces cysteine 252 with a stop codon.
Molecular consequence: nonsense. On other transcripts: non-coding transcript variant (2).
Genome position (GRCh38, 1-based): chr6:112,068,371, C>A. VCF-style: chr6-112068371-C-A. GRCh37 (hg19) VCF-style: chr6-112389574-C-A.
Other names: c.756C>A, p.Cys252Ter (NM_003880.4); short protein forms C252*.
Identifiers: ClinVar variation 2734932 (VCV002734932.3), dbSNP rs375253675, ClinGen allele CA365375302.